The following is an entry in ClinVar:

NM_177438.3(DICER1):c.574-21_574-18del

Gene: DICER1 (dicer 1, ribonuclease III; minus strand). Cytogenetic location: 14q32.13.
Variant type: Deletion.
Coding change: c.574-21_574-18del on transcript NM_177438.3 (MANE Select); 21 bases into the intron before coding-DNA position 574 through 18 bases into the intron before coding-DNA position 574, 4 bases deleted (CAGT; older notation c.574-21_574-18delCAGT).
Molecular consequence: intron variant.
Genome position (GRCh38, 1-based): chr14:95,129,650-95,129,653, ACTG deleted on the plus strand (CAGT on the coding strand, the reverse complement: DICER1 is on the minus strand); deleting any 4 consecutive bases within chr14:95,129,650-95,129,655 gives the same sequence; the c. name uses the placement nearest the transcript's 3' end. VCF-style (leftmost placement, unchanged base first): chr14-95129649-TACTG-T. GRCh37 (hg19) VCF-style: chr14-95595986-TACTG-T.
Other names: c.574-21_574-18del (NM_001291628.2, NM_030621.4, NM_001395677.1 and 14 more transcripts); c.169-21_169-18del (NM_001395690.1, NM_001395687.1, NM_001395689.1 and 3 more transcripts); c.292-21_292-18del (NM_001395686.1); c.7-21_7-18del (NM_001395691.1); c.-995-21_-995-18del (NM_001395697.1).
Identifiers: ClinVar variation 2177283 (VCV002177283.5), dbSNP rs760905308, ClinGen allele CA7331620.

ClinVar aggregate classification (germline): Likely benign. Review status: criteria provided, multiple submitters, no conflicts (2 of 4 stars). 2 submissions from 2 submitters: Likely benign (2). Last evaluated 2026-04-10.

Conditions:
DICER1-related tumor predisposition. Also called: DICER1-related pleuropulmonary blastoma cancer predisposition syndrome; DICER1 syndrome. Identifiers: Orphanet 284343, MedGen C3839822, MONDO:0100216.

Submissions (2):

Myriad Genetics, Inc.
Classification: Likely benign for DICER1-related tumor predisposition. Last evaluated: 2026-04-10. Review status: criteria provided, single submitter. Criteria: Myriad Autosomal Dominant, Autosomal Recessive and X-Linked Classification Criteria (2023). Collection method: clinical testing. Allele origin: unknown.
Comment: This variant is considered likely benign. This variant is intronic and is not expected to impact mRNA splicing.

Labcorp Genetics (formerly Invitae), Labcorp
Classification: Likely benign for DICER1-related tumor predisposition. Last evaluated: 2026-01-26. Review status: criteria provided, single submitter. Criteria: Invitae Variant Classification Sherloc (09022015). Collection method: clinical testing. Allele origin: germline.